The following is an entry in ClinVar:

NM_001267550.2(TTN):c.62290G>C (p.Glu20764Gln)

Genes: TTN (titin; minus strand), TTN-AS1 (TTN antisense RNA 1; plus strand). Cytogenetic location: 2q31.2.
Variant type: single nucleotide variant.
Coding change: c.62290G>C on transcript NM_001267550.2 (MANE Select); coding-DNA position 62290, G replaced by C.
Protein change: p.Glu20764Gln; replaces glutamic acid 20764 with glutamine.
Molecular consequence: missense variant.
Genome position (GRCh38, 1-based): chr2:178,589,435, C>G on the plus strand (G>C on the coding strand, the complement: TTN is on the minus strand). VCF-style: chr2-178589435-C-G. GRCh37 (hg19) VCF-style: chr2-179454162-C-G.
Other names: c.57367G>C, p.Glu19123Gln (NM_001256850.1); c.54586G>C, p.Glu18196Gln (NM_133378.4); c.35095G>C, p.Glu11699Gln (NM_003319.4); c.35470G>C, p.Glu11824Gln (NM_133432.3); c.35671G>C, p.Glu11891Gln (NM_133437.4); short protein forms E20764Q, E18196Q, E19123Q, E11891Q, E11824Q, E11699Q.
Identifiers: ClinVar variation 47181 (VCV000047181.13), dbSNP rs397517651, ClinGen allele CA140240.

ClinVar aggregate classification (germline): Uncertain significance. Review status: criteria provided, multiple submitters, no conflicts (2 of 4 stars). 6 submissions from 6 submitters: Uncertain significance (6). Last evaluated 2026-02-12.

Conditions:
TTN-related disorder. Also called: TTN-related condition; TTN-related disease; TTN-related disorders.
Cardiovascular phenotype. Identifiers: MedGen CN230736.
Autosomal recessive limb-girdle muscular dystrophy type 2J (LGMDR10). Also called: Limb-girdle muscular dystrophy, type 2J; MUSCULAR DYSTROPHY, LIMB-GIRDLE, AUTOSOMAL RECESSIVE 10. Identifiers: Orphanet 140922, MedGen C1837342, MONDO:0012127, OMIM 608807.
Dilated cardiomyopathy 1G (CMD1G). Identifiers: Orphanet 154, MedGen C1858763, MONDO:0011400, OMIM 604145.

Allele frequency attached by ClinVar (database versions not stated): gnomAD exomes below 0.00001 and 0.00001; gnomAD 0.00007; TOPMed 0.00008.
gnomAD v4.1: 18 of 1,613,282 alleles (0.0011%); highest among the groups gnomAD compares: African/African-American, 0.024%; no homozygotes.

Submissions (6):

PreventionGenetics, part of Exact Sciences
Classification: Uncertain significance for TTN-related condition. Last evaluated: 2026-02-12. Review status: criteria provided, single submitter. Criteria: ACMG Guidelines, 2015. Collection method: clinical testing. Allele origin: germline.
Comment: The TTN c.62290G>C variant is predicted to result in the amino acid substitution p.Glu20764Gln. This variant has been reported as a variant of uncertain significance in an individual with dilated cardiomyopathy (described as p.Glu18196Gln in Table S1, Pugh et al. 2014. PubMed ID: 24503780). This variant is reported in 0.017% of alleles in individuals of African descent in gnomAD. At this time, the clinical significance of this variant is uncertain due to the absence of conclusive functional and genetic evidence.

Revvity Omics, Revvity
Classification: Uncertain significance. Last evaluated: 2023-06-26. Review status: criteria provided, single submitter. Criteria: ACMG Guidelines, 2015. Collection method: clinical testing. Allele origin: germline.

Ambry Genetics
Classification: Uncertain significance for Cardiovascular phenotype. Last evaluated: 2019-03-14. Review status: criteria provided, single submitter. Criteria: Ambry Variant Classification Scheme 2023. Collection method: clinical testing. Allele origin: germline.
Comment: The p.E11699Q variant (also known as c.35095G>C), located in coding exon 131 of the TTN gene, results from a G to C substitution at nucleotide position 35095. The glutamic acid at codon 11699 is replaced by glutamine, an amino acid with highly similar properties. This alteration was reported, as NM_133378.4: p.E18196Q (c.54586G>C), in one individual with dilated cardiomyopathy (DCM) who also had a variant in another cardiac-related gene (Pugh TJ et al. Genet. Med., 2014 Aug;16:601-8). This amino acid position is highly conserved in available vertebrate species. In addition, this alteration is predicted to be tolerated by in silico analysis. Since supporting evidence is limited at this time, the clinical significance of this alteration remains unclear.

GeneDx
Classification: Uncertain significance. Last evaluated: 2017-05-24. Review status: criteria provided, single submitter. Criteria: GeneDx Variant Classification (06012015). Collection method: clinical testing. Allele origin: germline. Affected: yes.
Comment: The E19123Q variant is notobserved in large population cohorts (Lek et al., 2016; 1000 Genomes Consortium et al., 2015; Exome VariantServer). This variant is a semi-conservative amino acid substitution, which may impact secondary protein structure asthese residues differ in some properties. In addition, this substitution occurs at a position that is conserved acrossspecies, and two of three in silico models predict this variant is damaging to the protein structure/function.Nonetheless, E19123Q is a missense variant, whereas the majority of pathogenic variants reported in association withautosomal dominant dilated cardiomyopathy (DCM) are truncating variants in the A-band region of titin (Herman etal., 2012).

Labcorp Genetics (formerly Invitae), Labcorp
Classification: Uncertain significance for Dilated cardiomyopathy 1G; Autosomal recessive limb-girdle muscular dystrophy type 2J. Last evaluated: 2016-02-23. Review status: criteria provided, single submitter. Criteria: Invitae Variant Classification Sherloc (09022015). Collection method: clinical testing. Allele origin: germline.

Laboratory for Molecular Medicine, Mass General Brigham Personalized Medicine
Classification: Uncertain significance. Last evaluated: 2012-07-03. Review status: criteria provided, single submitter. Criteria: LMM Criteria. Collection method: clinical testing. Allele origin: germline. Observed: 1 variant allele.
Comment: The Glu18196Gln variant in TTN has not been reported in the literature nor previ ously identified by our laboratory. This variant has not been identified in larg e and broad populations by the NHLBI Exome Sequencing Project. Computational analyses (biochemical amino acid properties, con servation, AlignGVGD, PolyPhen2, and SIFT) do not provide strong support for or against an impact to the protein. Additional information is needed to fully asse ss the clinical significance of this variant.

Literature cited by the submitters: PubMed 24503780 (cited by Ambry Genetics).